The following is an entry in ClinVar:

ClinVar aggregate classification (germline): Uncertain significance. Review status: criteria provided, multiple submitters, no conflicts (2 of 4 stars). 2 submissions from 2 submitters: Uncertain significance (2). Last evaluated 2025-12-11.

Allele frequency attached by ClinVar (database versions not stated): gnomAD 0.00001; TOPMed 0.00001; gnomAD exomes 0.00002 and 0.00004; ExAC 0.00008.
gnomAD v4.1: 28 of 1,613,936 alleles (0.0017%); highest among the groups gnomAD compares: Admixed American, 0.0083%; no homozygotes.

Submissions (2):

Labcorp Genetics (formerly Invitae), Labcorp
Classification: Uncertain significance. Last evaluated: 2025-12-11. Review status: criteria provided, single submitter. Criteria: Invitae Variant Classification Sherloc (09022015). Collection method: clinical testing. Allele origin: germline.
Comment: This sequence change replaces valine, which is neutral and non-polar, with methionine, which is neutral and non-polar, at codon 766 of the BACH2 protein (p.Val766Met). This variant is present in population databases (rs755100835, gnomAD 0.009%). This variant has not been reported in the literature in individuals affected with BACH2-related conditions. ClinVar contains an entry for this variant (Variation ID: 1001343). Invitae Evidence Modeling of protein sequence and biophysical properties (such as structural, functional, and spatial information, amino acid conservation, physicochemical variation, residue mobility, and thermodynamic stability) indicates that this missense variant is not expected to disrupt BACH2 protein function with a negative predictive value of 80%. In summary, the available evidence is currently insufficient to determine the role of this variant in disease. Therefore, it has been classified as a Variant of Uncertain Significance.

Ambry Genetics
Classification: Uncertain significance. Last evaluated: 2025-03-03. Review status: criteria provided, single submitter. Criteria: Ambry Variant Classification Scheme 2023. Collection method: clinical testing. Allele origin: germline.

NM_021813.4(BACH2):c.2296G>A (p.Val766Met)

Gene: BACH2 (BACH transcriptional regulator 2; minus strand). Cytogenetic location: 6q15.
Variant type: single nucleotide variant.
Coding change: c.2296G>A on transcript NM_021813.4 (MANE Select); coding-DNA position 2296, G replaced by A.
Protein change: p.Val766Met; replaces valine 766 with methionine.
Molecular consequence: missense variant.
Genome position (GRCh38, 1-based): chr6:89,932,638, C>T on the plus strand (G>A on the coding strand, the complement: BACH2 is on the minus strand). VCF-style: chr6-89932638-C-T. GRCh37 (hg19) VCF-style: chr6-90642357-C-T.
Other names: c.2296G>A (NM_021813.2); c.2296G>A, p.Val766Met (NM_001170794.2); short protein forms V766M.
Identifiers: ClinVar variation 1001343 (VCV001001343.7), dbSNP rs755100835, ClinGen allele CA3927822.
Genomic context (GRCh38, chr6:89,932,638, plus strand): 5'-TGTTGCTGGGTGCCCAGGGGGGTCCGGGGGGAGCCGCGCCTGGCTCCAAGCAGCAGGGCA[C>T]GTTTTCCCCCACTGCGCATTGGGAGGCCGCAATGTTCTGCTCAGCACCCAAGGGCGCAGG-3'
Protein context (NP_068585.1, residues 756-776): AASQCAVGEN[Val766Met]PCCLEPGAAP